The following is an entry in ClinVar:

ClinVar aggregate classification (germline): Uncertain significance (1 of 4 stars; one submission).

Conditions:
Immunodeficiency 14 (IMD14A). Also called: p110-DELTA-ACTIVATING MUTATION CAUSING SENESCENT T CELLS, LYMPHADENOPATHY, AND IMMUNODEFICIENCY; ACTIVATED PI3K-DELTA SYNDROME 1; Activated PI3K Delta Syndrome Type 1 (APDS1); IMMUNODEFICIENCY 14A WITH LYMPHOPROLIFERATION, AUTOSOMAL DOMINANT. Identifiers: Orphanet 397596, Orphanet 693661, MedGen C5907821, MONDO:0014222, OMIM 615513.

gnomAD v4.1: 19 of 1,612,304 alleles (0.0012%); highest among the groups gnomAD compares: Non-Finnish European, 0.0012%; no homozygotes.

Submission:

Labcorp Genetics (formerly Invitae), Labcorp
Classification: Uncertain significance for Activated PI3K-delta syndrome. Last evaluated: 2026-01-06. Review status: criteria provided, single submitter. Criteria: Invitae Variant Classification Sherloc (09022015). Collection method: clinical testing. Allele origin: germline.
Comment: This sequence change replaces arginine, which is basic and polar, with cysteine, which is neutral and slightly polar, at codon 153 of the PIK3CD protein (p.Arg153Cys). This variant is present in population databases (rs779489980, gnomAD 0.01%). This variant has not been reported in the literature in individuals affected with PIK3CD-related conditions. Invitae Evidence Modeling of protein sequence and biophysical properties (such as structural, functional, and spatial information, amino acid conservation, physicochemical variation, residue mobility, and thermodynamic stability) indicates that this missense variant is not expected to disrupt PIK3CD protein function with a negative predictive value of 80%. In summary, the available evidence is currently insufficient to determine the role of this variant in disease. Therefore, it has been classified as a Variant of Uncertain Significance.

NM_005026.5(PIK3CD):c.457C>T (p.Arg153Cys)

Gene: PIK3CD (phosphatidylinositol-4,5-bisphosphate 3-kinase catalytic subunit delta; plus strand). Cytogenetic location: 1p36.22.
Variant type: single nucleotide variant.
Coding change: c.457C>T on transcript NM_005026.5 (MANE Select); coding-DNA position 457, C replaced by T.
Protein change: p.Arg153Cys; replaces arginine 153 with cysteine.
Molecular consequence: missense variant.
Genome position (GRCh38, 1-based): chr1:9,715,935, C>T. VCF-style: chr1-9715935-C-T. GRCh37 (hg19) VCF-style: chr1-9775993-C-T.
Other names: c.457C>T, p.Arg153Cys (NM_001350234.2, NM_001350235.1, NM_001437546.1 and 3 more transcripts); short protein forms R153C.
Identifiers: ClinVar variation 4751135 (VCV004751135.1).